The following is an entry in ClinVar:

ClinVar aggregate classification (germline): Likely benign. Review status: criteria provided, multiple submitters, no conflicts (2 of 4 stars). 2 submissions from 2 submitters: Likely benign (2). Last evaluated 2023-09-10.

Submissions (2):

Labcorp Genetics (formerly Invitae), Labcorp
Classification: Likely benign. Last evaluated: 2023-09-10. Review status: criteria provided, single submitter. Criteria: Invitae Variant Classification Sherloc (09022015). Collection method: clinical testing. Allele origin: germline.

GeneDx
Classification: Likely benign. Last evaluated: 2018-04-09. Review status: criteria provided, single submitter. Criteria: GeneDx Variant Classification (06012015). Collection method: clinical testing. Allele origin: germline. Affected: yes.
Comment: This variant is considered likely benign or benign based on one or more of the following criteria: it is a conservative change, it occurs at a poorly conserved position in the protein, it is predicted to be benign by multiple in silico algorithms, and/or has population frequency not consistent with disease.

NM_003742.4(ABCB11):c.1810-18C>T

Gene: ABCB11 (ATP binding cassette subfamily B member 11; minus strand). Cytogenetic location: 2q31.1.
Variant type: single nucleotide variant.
Coding change: c.1810-18C>T on transcript NM_003742.4 (MANE Select); 18 bases into the intron before coding-DNA position 1810, C replaced by T.
Molecular consequence: intron variant.
Genome position (GRCh38, 1-based): chr2:168,969,569, G>A on the plus strand (C>T on the coding strand, the complement: ABCB11 is on the minus strand). VCF-style: chr2-168969569-G-A. GRCh37 (hg19) VCF-style: chr2-169826079-G-A.
Identifiers: ClinVar variation 681413 (VCV000681413.4), dbSNP rs1574447276, ClinGen allele CA915942176.
Genomic context (GRCh38, chr2:168,969,569, plus strand): 5'-ACAAGCGATGAGCAACTGAAATGATTGTGTGCCCATGCTGAATCTGTAAGAATGTACAGT[G>A]CACCATTAAACAAAACTGTGAGACAGAGCTGACACTGACCTTTGCATCATTTCAGAATCC-3'